The following is an entry in ClinVar:

ClinVar aggregate classification (germline): Uncertain significance (1 of 4 stars; one submission).

Conditions:
Familial temporal lobe epilepsy 7. Identifiers: Orphanet 101046, MedGen C4225327, MONDO:0014639, OMIM 616436.
Norman-Roberts syndrome (LIS2). Also called: Lissencephaly 2 (Norman-Roberts type). Identifiers: Orphanet 89844, MedGen C0796089, MONDO:0009760, OMIM 257320.

Allele frequency attached by ClinVar (database versions not stated): TOPMed below 0.00001; gnomAD exomes 0.00001 and 0.00002; ExAC 0.00002.
gnomAD v4.1: 11 of 1,614,114 alleles (0.00068%); highest among the groups gnomAD compares: Non-Finnish European, 0.00093%; no homozygotes.

Submission:

Labcorp Genetics (formerly Invitae), Labcorp
Classification: Uncertain significance for Familial temporal lobe epilepsy 7; Norman-Roberts syndrome. Last evaluated: 2025-03-11. Review status: criteria provided, single submitter. Criteria: Invitae Variant Classification Sherloc (09022015). Collection method: clinical testing. Allele origin: germline.
Comment: This sequence change replaces aspartic acid, which is acidic and polar, with asparagine, which is neutral and polar, at codon 2649 of the RELN protein (p.Asp2649Asn). This variant is present in population databases (rs551447146, gnomAD 0.004%). This variant has not been reported in the literature in individuals affected with RELN-related conditions. ClinVar contains an entry for this variant (Variation ID: 1017046). Invitae Evidence Modeling of protein sequence and biophysical properties (such as structural, functional, and spatial information, amino acid conservation, physicochemical variation, residue mobility, and thermodynamic stability) indicates that this missense variant is not expected to disrupt RELN protein function with a negative predictive value of 80%. In summary, the available evidence is currently insufficient to determine the role of this variant in disease. Therefore, it has been classified as a Variant of Uncertain Significance.

NM_005045.4(RELN):c.7945G>A (p.Asp2649Asn)

Gene: RELN (reelin; minus strand). Cytogenetic location: 7q22.1.
Variant type: single nucleotide variant.
Coding change: c.7945G>A on transcript NM_005045.4 (MANE Select); coding-DNA position 7945, G replaced by A.
Protein change: p.Asp2649Asn; replaces aspartic acid 2649 with asparagine.
Molecular consequence: missense variant.
Genome position (GRCh38, 1-based): chr7:103,515,359, C>T on the plus strand (G>A on the coding strand, the complement: RELN is on the minus strand). VCF-style: chr7-103515359-C-T. GRCh37 (hg19) VCF-style: chr7-103155806-C-T.
Other names: c.7945G>A, p.Asp2649Asn (NM_173054.3); short protein forms D2649N.
Identifiers: ClinVar variation 1017046 (VCV001017046.8), dbSNP rs551447146, ClinGen allele CA4420600.